The following is an entry in ClinVar:

NM_022489.4(INF2):c.604A>C (p.Asn202His)

Gene: INF2 (inverted formin 2; plus strand). Cytogenetic location: 14q32.33.
Variant type: single nucleotide variant.
Coding change: c.604A>C on transcript NM_022489.4 (MANE Select); coding-DNA position 604, A replaced by C.
Protein change: p.Asn202His; replaces asparagine 202 with histidine.
Molecular consequence: missense variant. On other transcripts: non-coding transcript variant (1).
Genome position (GRCh38, 1-based): chr14:104,703,391, A>C. VCF-style: chr14-104703391-A-C. GRCh37 (hg19) VCF-style: chr14-105169728-A-C.
Other names: c.604A>C, p.Asn202His (NM_001031714.4, NM_001426862.1, NM_001426863.1 and 6 more transcripts); short protein forms N202H.
Identifiers: ClinVar variation 4531468 (VCV004531468.2).

ClinVar aggregate classification (germline): Likely pathogenic (1 of 4 stars; one submission).

Conditions:
Focal segmental glomerulosclerosis 5 (FSGS5). Identifiers: Orphanet 656, MedGen C2750475, MONDO:0013191, OMIM 613237.

Submission:

Victorian Clinical Genetics Services, Murdoch Childrens Research Institute
Classification: Likely pathogenic for Focal segmental glomerulosclerosis 5. Last evaluated: 2025-11-27. Review status: criteria provided, single submitter. Criteria: ACMG Guidelines, 2015. Collection method: clinical testing. Allele origin: germline. Affected: yes.
Comment: This variant is classified as Likely pathogenic. Evidence in support of pathogenic classification: Variant is absent from gnomAD (v2, v3 and v4); Other missense variants comparable to the one identified in this case have strong previous evidence for pathogenicity. The p.(Asn202Ser) variant has been classified as likely pathogenic by clinical laboratories in ClinVar. It has also been reported in the literature in three individuals from a single family with focal segmental glomerulosclerosis (PMID: 37491439). Additionally, the p.(Asn202Asp) variant has been classified as likely pathogenic by a clinical laboratory in ClinVar, it has also been reported in the literature in multiple families with focal segmental glomerulosclerosis and steroid resistant nephrotic syndrome (PMIDs: 30406062, 21866090); Missense variant predicted to be damaging by in silico tool(s) or highly conserved with a major amino acid change. Additional information: Variant is predicted to result in a missense amino acid change from Asn to His; This variant is heterozygous; This gene is associated with autosomal dominant disease; This variant has no previous evidence of pathogenicity; No published evidence of segregation with disease has been identified for this variant; No published functional evidence has been identified for this variant; Variant is located in the annotated diaphanous FH3 Domain (DECIPHER). - The mechanism of disease for this gene is not clearly established. However, both loss of function and gain of function have been suggested (PMID: 32451589); The condition associated with this gene has incomplete penetrance (PMID: 32451589); Inheritance information for this variant is not currently available in this individual.

Literature cited by the submitters: PubMed 30406062; PubMed 32451589; PubMed 37491439; PubMed 21866090.